The following is an entry in ClinVar:

ClinVar aggregate classification (germline): Uncertain significance. Review status: criteria provided, multiple submitters, no conflicts (2 of 4 stars). 4 submissions from 4 submitters: Uncertain significance (4). Last evaluated 2025-11-10.

Allele frequency attached by ClinVar (database versions not stated): ExAC 0.00012; TOPMed 0.00029; gnomAD 0.00032 and 0.00034; gnomAD exomes 0.00038.
gnomAD v4.1: 556 of 1,549,974 alleles (0.036%); highest among the groups gnomAD compares: Non-Finnish European, 0.041%; no homozygotes.

Submissions (4):

Labcorp Genetics (formerly Invitae), Labcorp
Classification: Uncertain significance. Last evaluated: 2025-11-10. Review status: criteria provided, single submitter. Criteria: Invitae Variant Classification Sherloc (09022015). Collection method: clinical testing. Allele origin: germline.
Comment: This sequence change replaces alanine, which is neutral and non-polar, with valine, which is neutral and non-polar, at codon 1823 of the OTOG protein (p.Ala1823Val). This variant is present in population databases (rs779658224, gnomAD 0.1%). This variant has not been reported in the literature in individuals affected with OTOG-related conditions. ClinVar contains an entry for this variant (Variation ID: 805110). An algorithm developed to predict the effect of missense changes on protein structure and function (PolyPhen-2) suggests that this variant is likely to be disruptive. In summary, the available evidence is currently insufficient to determine the role of this variant in disease. Therefore, it has been classified as a Variant of Uncertain Significance.

Blueprint Genetics
Classification: Uncertain significance. Last evaluated: 2024-11-05. Review status: criteria provided, single submitter. Criteria: ACMG Guidelines, 2015. Collection method: clinical testing. Allele origin: germline.

GeneDx
Classification: Uncertain significance. Last evaluated: 2021-09-02. Review status: criteria provided, single submitter. Criteria: GeneDx Variant Classification Process June 2021. Collection method: clinical testing. Allele origin: germline. Affected: yes.
Comment: In silico analysis supports that this missense variant does not alter protein structure/function; Has not been previously reported in peer-reviewed literature as pathogenic or benign to our knowledge. However, in a preprint by Roman-Naranjo et al. (2019) A1823V was reported in the heterozygous state in 2 patients with Meniere's disease, no second OTOG variant was reported.; This variant is associated with the following publications: (PMID: 33136635)

Athena Diagnostics
Classification: Uncertain significance. Last evaluated: 2018-11-14. Review status: criteria provided, single submitter. Criteria: Athena Diagnostics Criteria. Collection method: clinical testing. Allele origin: germline.

NM_001292063.2(OTOG):c.5432C>T (p.Ala1811Val)

Gene: OTOG (otogelin; plus strand). Cytogenetic location: 11p15.1.
Variant type: single nucleotide variant.
Coding change: c.5432C>T on transcript NM_001292063.2 (MANE Select); coding-DNA position 5432, C replaced by T.
Protein change: p.Ala1811Val; replaces alanine 1811 with valine.
Molecular consequence: missense variant.
Genome position (GRCh38, 1-based): chr11:17,610,732, C>T. VCF-style: chr11-17610732-C-T. GRCh37 (hg19) VCF-style: chr11-17632279-C-T.
Other names: c.5468C>T, p.Ala1823Val (NM_001277269.2); short protein forms A1811V, A1823V.
Identifiers: ClinVar variation 805110 (VCV000805110.8), dbSNP rs779658224, ClinGen allele CA5905922.